The following is an entry in ClinVar:

NM_004991.4(MECOM):c.2477A>T (p.Asp826Val)

Gene: MECOM (MDS1 and EVI1 complex locus; minus strand). Cytogenetic location: 3q26.2.
Variant type: single nucleotide variant.
Coding change: c.2477A>T on transcript NM_004991.4 (MANE Select); coding-DNA position 2477, A replaced by T.
Protein change: p.Asp826Val; replaces aspartic acid 826 with valine.
Molecular consequence: missense variant.
Genome position (GRCh38, 1-based): chr3:169,115,395, T>A on the plus strand (A>T on the coding strand, the complement: MECOM is on the minus strand). VCF-style: chr3-169115395-T-A. GRCh37 (hg19) VCF-style: chr3-168833183-T-A.
Other names: p.Asp826Val; c.2108A>T, p.Asp703Val (NM_001105077.4); c.1913A>T, p.Asp638Val (NM_001105078.4, NM_001164000.2, NM_001205194.2 and 4 more transcripts); c.1916A>T, p.Asp639Val (NM_001163999.2, NM_001366467.2, NM_001366468.2 and 1 more transcripts); c.2477A>T, p.Asp826Val (NM_001366466.2); c.1505A>T, p.Asp502Val (NM_001366473.2); c.941A>T, p.Asp314Val (NM_001366474.2); short protein forms D703V, D314V, D502V, D638V, D639V, D826V.
Identifiers: ClinVar variation 4540946 (VCV004540946.1).

ClinVar aggregate classification (germline): Uncertain significance (1 of 4 stars; one submission).

Submission:

Mayo Clinic Laboratories, Mayo Clinic
Classification: Uncertain significance. Last evaluated: 2025-10-09. Review status: criteria provided, single submitter. Criteria: ACMG Guidelines, 2015. Collection method: clinical testing. Allele origin: germline. Observed: 1 variant allele.
Comment: PM2_supporting